The following is an entry in ClinVar:

ClinVar aggregate classification (germline): Uncertain significance (1 of 4 stars; one submission).

Conditions:
Inborn genetic diseases. Identifiers: MedGen C0950123, MeSH D030342.

gnomAD v4.1: 2 of 1,613,412 alleles (0.00012%); highest among the groups gnomAD compares: Non-Finnish European, 0.00017%; no homozygotes.

Submission:

Ambry Genetics
Classification: Uncertain significance for Inborn genetic diseases. Last evaluated: 2025-01-14. Review status: criteria provided, single submitter. Criteria: Ambry Variant Classification Scheme 2023. Collection method: clinical testing. Allele origin: germline.
Comment: The p.G251S variant (also known as c.751G>A), located in coding exon 6 of the HAX1 gene, results from a G to A substitution at nucleotide position 751. The glycine at codon 251 is replaced by serine, an amino acid with similar properties. This amino acid position is conserved. In addition, this alteration is predicted to be tolerated by in silico analysis. Based on the available evidence, the clinical significance of this variant remains unclear.

NM_006118.4(HAX1):c.751G>A (p.Gly251Ser)

Gene: HAX1 (HCLS1 associated protein X-1; plus strand). Cytogenetic location: 1q21.3.
Variant type: single nucleotide variant.
Coding change: c.751G>A on transcript NM_006118.4 (MANE Select); coding-DNA position 751, G replaced by A.
Protein change: p.Gly251Ser; replaces glycine 251 with serine.
Molecular consequence: missense variant.
Genome position (GRCh38, 1-based): chr1:154,275,480, G>A. VCF-style: chr1-154275480-G-A. GRCh37 (hg19) VCF-style: chr1-154247956-G-A.
Other names: c.607G>A, p.Gly203Ser (NM_001018837.2); short protein forms G251S, G203S.
Identifiers: ClinVar variation 2486547 (VCV002486547.3), dbSNP rs749921257, ClinGen allele CA342594009.